The following is an entry in ClinVar:

ClinVar aggregate classification (germline): Uncertain significance. Review status: criteria provided, multiple submitters, no conflicts (2 of 4 stars). 2 submissions from 2 submitters: Uncertain significance (2). Last evaluated 2021-11-09.

Conditions:
Inborn genetic diseases. Identifiers: MedGen C0950123, MeSH D030342.
Evans syndrome, immunodeficiency, and premature immunosenescence associated with tripeptidyl-peptidase II deficiency. Identifiers: MedGen CN231723. Disease mechanism: loss of function.

Allele frequency attached by ClinVar (database versions not stated): gnomAD exomes below 0.00001; ExAC 0.00001; gnomAD 0.00001; TOPMed 0.00001.
gnomAD v4.1: 2 of 1,613,776 alleles (0.00012%); highest among the groups gnomAD compares: Admixed American, 0.0017%; no homozygotes.

Submissions (2):

Ambry Genetics
Classification: Uncertain significance for Inborn genetic diseases. Last evaluated: 2021-11-09. Review status: criteria provided, single submitter. Criteria: Ambry Variant Classification Scheme 2023. Collection method: clinical testing. Allele origin: germline.

Labcorp Genetics (formerly Invitae), Labcorp
Classification: Uncertain significance for Evans syndrome, immunodeficiency, and premature immunosenescence associated with tripeptidyl-peptidase II deficiency. Last evaluated: 2021-01-04. Review status: criteria provided, single submitter. Criteria: Invitae Variant Classification Sherloc (09022015). Collection method: clinical testing. Allele origin: germline.
Comment: Algorithms developed to predict the effect of missense changes on protein structure and function are either unavailable or do not agree on the potential impact of this missense change (SIFT: "Deleterious"; PolyPhen-2: "Probably Damaging"; Align-GVGD: "Class C0"). This variant has not been reported in the literature in individuals with TPP2-related conditions. This variant is present in population databases (rs752918639, ExAC 0.009%). This sequence change replaces alanine with serine at codon 1130 of the TPP2 protein (p.Ala1130Ser). The alanine residue is highly conserved and there is a moderate physicochemical difference between alanine and serine. In summary, the available evidence is currently insufficient to determine the role of this variant in disease. Therefore, it has been classified as a Variant of Uncertain Significance.

NM_001330588.2(TPP2):c.3427G>T (p.Ala1143Ser)

Gene: TPP2 (tripeptidyl peptidase 2; plus strand). Cytogenetic location: 13q33.1.
Variant type: single nucleotide variant.
Coding change: c.3427G>T on transcript NM_001330588.2 (MANE Select); coding-DNA position 3427, G replaced by T.
Protein change: p.Ala1143Ser; replaces alanine 1143 with serine.
Molecular consequence: missense variant. On other transcripts: non-coding transcript variant (1).
Genome position (GRCh38, 1-based): chr13:102,674,338, G>T. VCF-style: chr13-102674338-G-T. GRCh37 (hg19) VCF-style: chr13-103326688-G-T.
Other names: c.3514G>T, p.Ala1172Ser (NM_001367947.1); c.3388G>T, p.Ala1130Ser (NM_003291.4); c.3388G>T (NM_003291.2); short protein forms A1172S, A1130S, A1143S.
Identifiers: ClinVar variation 1379779 (VCV001379779.9), dbSNP rs752918639, ClinGen allele CA7038273.